The following is an entry in ClinVar:

NM_001103.4(ACTN2):c.1609G>T (p.Glu537Ter)

Gene: ACTN2 (actinin alpha 2; plus strand). Cytogenetic location: 1q43.
Variant type: single nucleotide variant.
Coding change: c.1609G>T on transcript NM_001103.4 (MANE Select); coding-DNA position 1609, G replaced by T.
Protein change: p.Glu537Ter; replaces glutamic acid 537 with a stop codon.
Molecular consequence: nonsense. On other transcripts: non-coding transcript variant (1).
Genome position (GRCh38, 1-based): chr1:236,749,217, G>T. VCF-style: chr1-236749217-G-T. GRCh37 (hg19) VCF-style: chr1-236912517-G-T.
Other names: c.1609G>T, p.Glu537Ter (NM_001278343.2); c.985G>T, p.Glu329Ter (NM_001278344.2); c.859G>T, p.Glu287Ter (NM_001412150.1); short protein forms E329*, E537*, E287*.
Identifiers: ClinVar variation 2953984 (VCV002953984.3), dbSNP rs1401807611, ClinGen allele CA345384927.
Genomic context (GRCh38, chr1:236,749,217, plus strand): 5'-CTTCACCTGGAGTTTGCCAAGAGGGCTGCTCCTTTCAACAATTGGATGGAGGGCGCTATG[G>T]AGGATCTGCAAGATATGTTCATTGTCCACAGCATTGAGGAGATCCAGGTAATGGAACCGC-3'

ClinVar aggregate classification (germline): Uncertain significance (1 of 4 stars; one submission).

Conditions:
Dilated cardiomyopathy 1AA (CMD1AA). Also called: CARDIOMYOPATHY, DILATED, 1AA, WITH OR WITHOUT LEFT VENTRICULAR NONCOMPACTION; CARDIOMYOPATHY, FAMILIAL HYPERTROPHIC, 23, WITH OR WITHOUT LEFT VENTRICULAR NONCOMPACTION; Cardiomyopathy, dilated, 1AA, with or without LVNC. Identifiers: Orphanet 154, MedGen C2677338, MONDO:0012808, OMIM 612158.
Primary familial hypertrophic cardiomyopathy (HCM). Identifiers: Orphanet 99739, MedGen C0949658, MeSH D024741, MONDO:0024573. Inheritance: Various modes of inheritance.

Submission:

Labcorp Genetics (formerly Invitae), Labcorp
Classification: Uncertain significance for Primary familial hypertrophic cardiomyopathy; Dilated cardiomyopathy 1AA. Last evaluated: 2023-11-17. Review status: criteria provided, single submitter. Criteria: Invitae Variant Classification Sherloc (09022015). Collection method: clinical testing. Allele origin: germline.
Comment: This sequence change creates a premature translational stop signal (p.Glu537*) in the ACTN2 gene. It is expected to result in an absent or disrupted protein product. However, the current clinical and genetic evidence is not sufficient to establish whether loss-of-function variants in ACTN2 cause disease. This variant is not present in population databases (gnomAD no frequency). This variant has not been reported in the literature in individuals affected with ACTN2-related conditions. In summary, the available evidence is currently insufficient to determine the role of this variant in disease. Therefore, it has been classified as a Variant of Uncertain Significance.